The following is an entry in ClinVar:

NM_012330.4(KAT6B):c.3173G>A (p.Arg1058Gln)

Gene: KAT6B (lysine acetyltransferase 6B; plus strand). Cytogenetic location: 10q22.2.
Variant type: single nucleotide variant.
Coding change: c.3173G>A on transcript NM_012330.4 (MANE Select); coding-DNA position 3173, G replaced by A.
Protein change: p.Arg1058Gln; replaces arginine 1058 with glutamine.
Molecular consequence: missense variant.
Genome position (GRCh38, 1-based): chr10:75,022,032, G>A. VCF-style: chr10-75022032-G-A. GRCh37 (hg19) VCF-style: chr10-76781790-G-A.
Other names: c.2624G>A, p.Arg875Gln (NM_001256468.2, NM_001370138.1); c.2297G>A, p.Arg766Gln (NM_001256469.2, NM_001370139.1, NM_001370140.1 and 2 more transcripts); c.2135G>A, p.Arg712Gln (NM_001370132.1); c.1484G>A, p.Arg495Gln (NM_001370133.1); c.1088G>A, p.Arg363Gln (NM_001370134.1); c.830G>A, p.Arg277Gln (NM_001370135.1); c.3173G>A, p.Arg1058Gln (NM_001370136.1, NM_001370137.1); c.2108G>A, p.Arg703Gln (NM_001370143.1, NM_001370144.1); short protein forms R712Q, R875Q, R1058Q, R495Q, R703Q, R277Q, R363Q, R766Q.
Identifiers: ClinVar variation 2142832 (VCV002142832.5), dbSNP rs749078569, ClinGen allele CA5564741.

ClinVar aggregate classification (germline): Uncertain significance. Review status: criteria provided, multiple submitters, no conflicts (2 of 4 stars). 2 submissions from 2 submitters: Uncertain significance (2). Last evaluated 2023-10-23.

Conditions:
Genitopatellar syndrome (GTPTS). Also called: Genitopatellar syndrome (GPS); ABSENT PATELLAE, SCROTAL HYPOPLASIA, RENAL ANOMALIES, FACIAL DYSMORPHISM, AND MENTAL RETARDATION. Identifiers: Orphanet 85201, MedGen C1853566, MONDO:0011640, OMIM 606170.

Allele frequency attached by ClinVar (database versions not stated): gnomAD 0.00001; gnomAD exomes 0.00001; TOPMed 0.00001; ExAC 0.00002.
gnomAD v4.1: 12 of 1,613,912 alleles (0.00074%); highest among the groups gnomAD compares: South Asian, 0.0011%; no homozygotes.

Submissions (2):

Women's Health and Genetics/Laboratory Corporation of America, LabCorp
Classification: Uncertain significance. Last evaluated: 2023-10-23. Review status: criteria provided, single submitter. Criteria: LabCorp Variant Classification Summary - May 2015. Collection method: clinical testing. Allele origin: germline.
Comment: Variant summary: KAT6B c.3173G>A (p.Arg1058Gln) results in a conservative amino acid change in the encoded protein sequence. Three of five in-silico tools predict a benign effect of the variant on protein function. The variant allele was found at a frequency of 8e-06 in 250630 control chromosomes (gnomAD). The available data on variant occurrences in the general population are insufficient to allow any conclusion about variant significance. To our knowledge, no occurrence of c.3173G>A in individuals affected with KAT6B-Related Spectrum Disorders and no experimental evidence demonstrating its impact on protein function have been reported. One submitter has cited clinical-significance assessments for this variant to ClinVar after 2014 and has classified the variant as uncertain significance. Based on the evidence outlined above, the variant was classified as uncertain significance.

Labcorp Genetics (formerly Invitae), Labcorp
Classification: Uncertain significance for Genitopatellar syndrome. Last evaluated: 2022-04-06. Review status: criteria provided, single submitter. Criteria: Invitae Variant Classification Sherloc (09022015). Collection method: clinical testing. Allele origin: germline.
Comment: This sequence change replaces arginine, which is basic and polar, with glutamine, which is neutral and polar, at codon 1058 of the KAT6B protein (p.Arg1058Gln). In summary, the available evidence is currently insufficient to determine the role of this variant in disease. Therefore, it has been classified as a Variant of Uncertain Significance. Algorithms developed to predict the effect of missense changes on protein structure and function (SIFT, PolyPhen-2, Align-GVGD) all suggest that this variant is likely to be tolerated. This variant has not been reported in the literature in individuals affected with KAT6B-related conditions. This variant is present in population databases (rs749078569, gnomAD 0.002%).